The following is an entry in ClinVar:

ClinVar aggregate classification (germline): Likely benign (0 of 4 stars; one submission).

Conditions:
STX1A-related disorder. Also called: STX1A-related condition.

Allele frequency attached by ClinVar (database versions not stated): gnomAD 0.00016; TOPMed 0.00019; ESP Exome Variant Server 0.00023.

Submission:

PreventionGenetics, part of Exact Sciences
Classification: Likely benign for STX1A-related condition. Last evaluated: 2019-08-13. Review status: no assertion criteria provided. Collection method: clinical testing. Allele origin: germline.
Comment: This variant is classified as likely benign based on ACMG/AMP sequence variant interpretation guidelines (Richards et al. 2015 PMID: 25741868, with internal and published modifications).

NM_004603.4(STX1A):c.108+7G>T

Gene: STX1A (syntaxin 1A; minus strand). Cytogenetic location: 7q11.23.
Variant type: single nucleotide variant.
Coding change: c.108+7G>T on transcript NM_004603.4 (MANE Select); 7 bases into the intron after coding-DNA position 108, G replaced by T.
Molecular consequence: intron variant.
Genome position (GRCh38, 1-based): chr7:73,709,038, C>A on the plus strand (G>T on the coding strand, the complement: STX1A is on the minus strand). VCF-style: chr7-73709038-C-A. GRCh37 (hg19) VCF-style: chr7-73123368-C-A.
Other names: c.108+7G>T (NM_001165903.2).
Identifiers: ClinVar variation 3052372 (VCV003052372.2), dbSNP rs372364411, ClinGen allele CA4290847.
Genomic context (GRCh38, chr7:73,709,038, plus strand): 5'-TCAGAGGCGAGAGTGGCCCCCCAAGTTCTGCCAGTGTGCGGGAAGGGTGGGGTGTGCTGG[C>A]TCCCACCTGCTCAAAGAACTCATCCATGAAGCGGTCTCGGTCCACGGTGACAGCGACATC-3'